The following is an entry in ClinVar:

ClinVar aggregate classification (germline): Uncertain significance (0 of 4 stars; one submission).

Submission:

Genetic Services Laboratory, University of Chicago
Classification: Uncertain significance. Last evaluated: 2022-08-26. Review status: no assertion criteria provided. Collection method: clinical testing. Allele origin: germline. Affected: no.
Comment: DNA sequence analysis of the HNF4A gene demonstrated a sequence change, c.604G>A, in exon 6 that results in an amino acid change, p.Ala202Thr. This sequence change does not appear to have been previously described in individuals with HNF4A-related disorders and has also not been described in population databases such as ExAC and gnomAD. The p.Ala202Thr change affects a highly conserved amino acid residue located in a domain of the HNF4A protein that is known to be functional. In-silico pathogenicity prediction tools (SIFT, PolyPhen2, Align GVGD, REVEL) provide contradictory results for the p.Ala202Thr substitution. Due to insufficient evidences and the lack of functional studies, the clinical significance of the p.Ala202Thr change remains unknown at this time.

NM_175914.5(HNF4A):c.604G>A (p.Ala202Thr)

Gene: HNF4A (hepatocyte nuclear factor 4 alpha; plus strand). Cytogenetic location: 20q13.12.
Variant type: single nucleotide variant.
Coding change: c.604G>A on transcript NM_175914.5 (MANE Select); coding-DNA position 604, G replaced by A.
Protein change: p.Ala202Thr; replaces alanine 202 with threonine.
Molecular consequence: missense variant.
Genome position (GRCh38, 1-based): chr20:44,418,446, G>A. VCF-style: chr20-44418446-G-A. GRCh37 (hg19) VCF-style: chr20-43047086-G-A.
Other names: c.670G>A, p.Ala224Thr (NM_000457.6, NM_178849.3, NM_178850.3); c.604G>A, p.Ala202Thr (NM_001030003.3, NM_001030004.3); c.649G>A, p.Ala217Thr (NM_001258355.2); c.595G>A, p.Ala199Thr (NM_001287182.2, NM_001287183.2, NM_001287184.2); short protein forms A199T, A202T, A217T, A224T.
Identifiers: ClinVar variation 2443144 (VCV002443144.2), dbSNP rs2515692977, ClinGen allele CA409106800.